The following is an entry in ClinVar:

NM_002439.5(MSH3):c.966A>C (p.Arg322Ser)

Genes: MSH3 (mutS homolog 3; plus strand), LOC126807437 (MED14-independent group 3 enhancer GRCh37_chr5:79968379-79969578; plus strand). Cytogenetic location: 5q14.1.
Variant type: single nucleotide variant.
Coding change: c.966A>C on transcript NM_002439.5 (MANE Select); coding-DNA position 966, A replaced by C.
Protein change: p.Arg322Ser; replaces arginine 322 with serine.
Molecular consequence: missense variant.
Genome position (GRCh38, 1-based): chr5:80,672,797, A>C. VCF-style: chr5-80672797-A-C. GRCh37 (hg19) VCF-style: chr5-79968616-A-C.
Other names: short protein forms R322S.
Identifiers: ClinVar variation 2565683 (VCV002565683.2), dbSNP rs2112814290, ClinGen allele CA360267437.

ClinVar aggregate classification (germline): Uncertain significance (1 of 4 stars; one submission).

Conditions:
Hereditary cancer-predisposing syndrome. Also called: Neoplastic Syndromes, Hereditary; Hereditary Cancer Syndrome; Hereditary neoplastic syndrome; Tumor predisposition. Identifiers: Orphanet 140162, MedGen C0027672, MeSH D009386, MONDO:0015356.

Submission:

Ambry Genetics
Classification: Uncertain significance for Hereditary cancer-predisposing syndrome. Last evaluated: 2023-05-31. Review status: criteria provided, single submitter. Criteria: Ambry Variant Classification Scheme 2023. Collection method: clinical testing. Allele origin: germline.
Comment: The p.R322S variant (also known as c.966A>C), located in coding exon 6 of the MSH3 gene, results from an A to C substitution at nucleotide position 966. The arginine at codon 322 is replaced by serine, an amino acid with dissimilar properties. This amino acid position is conserved. In addition, this alteration is predicted to be tolerated by in silico analysis. Since supporting evidence is limited at this time, the clinical significance of this alteration remains unclear.